The following is an entry in ClinVar:

ClinVar aggregate classification (germline): Uncertain significance (1 of 4 stars; one submission).

Submission:

Labcorp Genetics (formerly Invitae), Labcorp
Classification: Uncertain significance. Last evaluated: 2022-02-08. Review status: criteria provided, single submitter. Criteria: Invitae Variant Classification Sherloc (09022015). Collection method: clinical testing. Allele origin: germline.
Comment: In summary, the available evidence is currently insufficient to determine the role of this variant in disease. Therefore, it has been classified as a Variant of Uncertain Significance. Algorithms developed to predict the effect of missense changes on protein structure and function are either unavailable or do not agree on the potential impact of this missense change (SIFT: "Deleterious"; PolyPhen-2: "Benign"; Align-GVGD: "Class C0"). This variant has not been reported in the literature in individuals affected with AP3D1-related conditions. This variant is not present in population databases (gnomAD no frequency). This sequence change replaces asparagine, which is neutral and polar, with aspartic acid, which is acidic and polar, at codon 1035 of the AP3D1 protein (p.Asn1035Asp).

NM_001261826.3(AP3D1):c.3103A>G (p.Asn1035Asp)

Gene: AP3D1 (adaptor related protein complex 3 subunit delta 1; minus strand). Cytogenetic location: 19p13.3.
Variant type: single nucleotide variant.
Coding change: c.3103A>G on transcript NM_001261826.3 (MANE Select); coding-DNA position 3103, A replaced by G.
Protein change: p.Asn1035Asp; replaces asparagine 1035 with aspartic acid.
Molecular consequence: missense variant.
Genome position (GRCh38, 1-based): chr19:2,110,779, T>C on the plus strand (A>G on the coding strand, the complement: AP3D1 is on the minus strand). VCF-style: chr19-2110779-T-C. GRCh37 (hg19) VCF-style: chr19-2110778-T-C.
Other names: c.3067A>G, p.Asn1023Asp (NM_001374799.1); c.2917A>G, p.Asn973Asp (NM_003938.8); short protein forms N1023D, N1035D, N973D.
Identifiers: ClinVar variation 2094978 (VCV002094978.4), dbSNP rs2512132104, ClinGen allele CA403202783.